The following is an entry in ClinVar:

NM_001005361.3(DNM2):c.2573CCA[1] (p.Thr859del)

Gene: DNM2 (dynamin 2; plus strand). Cytogenetic location: 19p13.2.
Variant type: Microsatellite.
Coding change: c.2573CCA[1] on transcript NM_001005361.3 (MANE Select); one copy of the 3-base unit CCA starting at c.2573; the reference has two copies in a row; one copy, 3 bases deleted.
Protein change: p.Thr859del; deletes threonine 859.
Molecular consequence: inframe deletion.
Genome position (GRCh38, 1-based): chr19:10,831,010-10,831,012, CCA deleted; deleting any 3 consecutive bases within chr19:10,831,007-10,831,012 gives the same sequence; the position shown is the placement nearest the transcript's 3' end. VCF-style (leftmost placement, unchanged base first): chr19-10831006-CCCA-C. GRCh37 (hg19) VCF-style: chr19-10941682-CCCA-C.
Other names: c.2576_2578delCCA (NM_001005360.2); c.2576_2578del (NM_001005360.2); c.2573CCA[1], p.Thr859del (NM_001005360.3); c.2561CCA[1], p.Thr855del (NM_001005362.3, NM_004945.4); c.2570CCA[1], p.Thr858del (NM_001190716.2); short protein forms T858del, T859del, T855del.
Identifiers: ClinVar variation 657927 (VCV000657927.11), dbSNP rs1599643472, ClinGen allele CA915951683.

ClinVar aggregate classification (germline): Uncertain significance. Review status: criteria provided, multiple submitters, no conflicts (2 of 4 stars). 2 submissions from 2 submitters: Uncertain significance (2). Last evaluated 2019-01-31.

Conditions:
Charcot-Marie-Tooth disease dominant intermediate B (CMTDIB). Also called: Charcot-Marie-Tooth disease dominant intermediate 1; CMT DI1; Charcot-Marie-Tooth disease dominant intermediate I; CHARCOT-MARIE-TOOTH NEUROPATHY, DOMINANT INTERMEDIATE B. Identifiers: Orphanet 100044, Orphanet 228179, MedGen C1847902, MONDO:0011674, OMIM 606482.

Submissions (2):

Revvity Omics, Revvity
Classification: Uncertain significance. Last evaluated: 2019-01-31. Review status: criteria provided, single submitter. Criteria: ACMG Guidelines, 2015. Collection method: clinical testing. Allele origin: germline.

Labcorp Genetics (formerly Invitae), Labcorp
Classification: Uncertain significance for Charcot-Marie-Tooth disease dominant intermediate B. Last evaluated: 2018-11-15. Review status: criteria provided, single submitter. Criteria: Invitae Variant Classification Sherloc (09022015). Collection method: clinical testing. Allele origin: germline.
Comment: In summary, the available evidence is currently insufficient to determine the role of this variant in disease. Therefore, it has been classified as a Variant of Uncertain Significance. Experimental studies and prediction algorithms are not available for this variant, and the functional significance of the affected amino acid(s) is currently unknown. This variant has not been reported in the literature in individuals with DNM2-related disease. This variant is not present in population databases (ExAC no frequency). This variant, c.2576_2578delCCA, results in the deletion of 1 amino acid(s) of the DNM2 protein (p.Thr859del), but otherwise preserves the integrity of the reading frame.